The following is an entry in ClinVar:

ClinVar aggregate classification (germline): Likely pathogenic (0 of 4 stars; one submission).

Conditions:
MPDZ-related disorder. Also called: MPDZ-related condition.

gnomAD v4.1: 10 of 1,590,906 alleles (0.00063%); highest among the groups gnomAD compares: Non-Finnish European, 0.00086%; no homozygotes.

Submission:

PreventionGenetics, part of Exact Sciences
Classification: Likely pathogenic for MPDZ-related condition. Last evaluated: 2024-03-20. Review status: no assertion criteria provided. Collection method: clinical testing. Allele origin: germline.
Comment: The MPDZ c.4383+1G>T variant is predicted to disrupt the GT donor site and interfere with normal splicing. To our knowledge, this variant has not been reported in the literature. This variant is reported in 0.0027% of alleles in individuals of European (Non-Finnish) descent in gnomAD. Variants that disrupt the consensus splice donor site in MPDZ are expected to be pathogenic. This variant is interpreted as likely pathogenic.

NM_001378778.1(MPDZ):c.4383+1G>T

Gene: MPDZ (multiple PDZ domain crumbs cell polarity complex component; minus strand). Cytogenetic location: 9p23.
Variant type: single nucleotide variant.
Coding change: c.4383+1G>T on transcript NM_001378778.1 (MANE Select); the canonical splice donor site of the intron after coding-DNA position 4383, G replaced by T.
Molecular consequence: splice donor variant.
Genome position (GRCh38, 1-based): chr9:13,136,091, C>A on the plus strand (G>T on the coding strand, the complement: MPDZ is on the minus strand). VCF-style: chr9-13136091-C-A. GRCh37 (hg19) VCF-style: chr9-13136090-C-A.
Other names: c.4173+1G>T (NM_001375425.1, NM_001375420.1, NM_001375423.1 and 4 more transcripts); c.4284+1G>T (NM_001375419.1, NM_001375416.1, NM_001375418.1 and 3 more transcripts); c.4383+1G>T (NM_001330637.2, NM_003829.5, NM_001375413.1); c.3975+1G>T (NM_001375427.1).
Identifiers: ClinVar variation 3351664 (VCV003351664.1).